The following is an entry in ClinVar:

ClinVar aggregate classification (germline): Benign. Review status: criteria provided, multiple submitters, no conflicts (2 of 4 stars). 2 submissions from 2 submitters: Benign (2). Last evaluated 2018-06-14.

Allele frequency attached by ClinVar (database versions not stated): 1000 Genomes Project 0.56889; 1000 Genomes Project 30x 0.57011; TOPMed 0.61008; gnomAD 0.61167 and 0.61363.
gnomAD v4.1: 92,926 of 151,676 alleles (61%); highest among the groups gnomAD compares: Middle Eastern, 69%; 28,634 homozygotes.

Submissions (2):

GeneDx
Classification: Benign. Last evaluated: 2018-06-14. Review status: criteria provided, single submitter. Criteria: GeneDx Variant Classification (06012015). Collection method: clinical testing. Allele origin: germline. Affected: yes.
Comment: This variant is considered likely benign or benign based on one or more of the following criteria: it is a conservative change, it occurs at a poorly conserved position in the protein, it is predicted to be benign by multiple in silico algorithms, and/or has population frequency not consistent with disease.

Breakthrough Genomics
Classification: Benign. Review status: criteria provided, single submitter. Criteria: ACMG Guidelines, 2015. Collection method: not provided. Allele origin: germline. Inheritance: Autosomal recessive inheritance. Affected: yes.

NM_000023.4(SGCA):c.585-222C>T

Gene: SGCA (sarcoglycan alpha; plus strand). Cytogenetic location: 17q21.33.
Variant type: single nucleotide variant.
Coding change: c.585-222C>T on transcript NM_000023.4 (MANE Select); 222 bases into the intron before coding-DNA position 585, C replaced by T.
Molecular consequence: intron variant.
Genome position (GRCh38, 1-based): chr17:50,168,870, C>T. VCF-style: chr17-50168870-C-T. GRCh37 (hg19) VCF-style: chr17-48246231-C-T.
Other names: c.584+298C>T (NM_001135697.3).
Identifiers: ClinVar variation 670061 (VCV000670061.2), dbSNP rs2696296, ClinGen allele CA15909733.
Genomic context (GRCh38, chr17:50,168,870, plus strand): 5'-ACATCCATTAAAAGACATTCCTTAGTAGGGAGGGTAAGACCCCCTAGAAGAATGGGGTGC[C>T]CTGTGTACTCTCACCATGATCTCAGATCTCTGGGAGGACTGTGACTCCTGCCAGACCCCA-3'